The following is an entry in ClinVar:

NM_001148.6(ANK2):c.9060C>T (p.Ser3020=)

Gene: ANK2 (ankyrin 2; plus strand). Cytogenetic location: 4q26.
Variant type: single nucleotide variant.
Coding change: c.9060C>T on transcript NM_001148.6 (MANE Select); coding-DNA position 9060, C replaced by T.
Protein change: p.Ser3020=; no amino-acid change (serine 3020 retained).
Molecular consequence: synonymous variant. On other transcripts: intron variant (68).
Genome position (GRCh38, 1-based): chr4:113,357,678, C>T. VCF-style: chr4-113357678-C-T. GRCh37 (hg19) VCF-style: chr4-114278834-C-T.
Other names: c.8826C>T, p.Ser2942= (NM_001386142.1); c.5460C>T, p.Ser1820= (NM_001386166.1); c.9201C>T, p.Ser3067= (NM_001386174.1); c.9177C>T, p.Ser3059= (NM_001386175.1); c.4412-3145C>T (NM_001386186.2, NM_001386148.2); c.4214-3145C>T (NM_001354269.3); c.4292-3145C>T (NM_001386187.2); c.4253-3145C>T (NM_001386147.1); and 35 more.
Identifiers: ClinVar variation 391299 (VCV000391299.12), dbSNP rs372511706, ClinGen allele CA3051869.

ClinVar aggregate classification (germline): Benign/Likely benign. Review status: criteria provided, multiple submitters, no conflicts (2 of 4 stars). 4 submissions from 4 submitters: Benign (1); Likely benign (3). Last evaluated 2025-03-30.

Conditions:
Cardiovascular phenotype. Identifiers: MedGen CN230736.
Long QT syndrome (LQTS). Identifiers: MedGen C0023976, MeSH D008133, MONDO:0002442. Disease mechanism: loss of function. Inheritance: Various modes of inheritance.

Allele frequency attached by ClinVar (database versions not stated): ExAC 0.00005; gnomAD exomes 0.00005 and 0.00003; ESP Exome Variant Server 0.00008; gnomAD 0.00011 and 0.00013; TOPMed 0.00014; 1000 Genomes Project 30x 0.00016.
gnomAD v4.1: 64 of 1,614,108 alleles (0.004%); highest among the groups gnomAD compares: African/African-American, 0.035%; no homozygotes.

Submissions (4):

Labcorp Genetics (formerly Invitae), Labcorp
Classification: Likely benign for Long QT syndrome. Last evaluated: 2025-03-30. Review status: criteria provided, single submitter. Criteria: Invitae Variant Classification Sherloc (09022015). Collection method: clinical testing. Allele origin: germline.

Women's Health and Genetics/Laboratory Corporation of America, LabCorp
Classification: Benign. Last evaluated: 2025-02-10. Review status: criteria provided, single submitter. Criteria: LabCorp Variant Classification Summary - May 2015. Collection method: clinical testing. Allele origin: germline.

Ambry Genetics
Classification: Likely benign for Cardiovascular phenotype. Last evaluated: 2019-07-22. Review status: criteria provided, single submitter. Criteria: Ambry Variant Classification Scheme 2023. Collection method: clinical testing. Allele origin: germline.

GeneDx
Classification: Likely benign. Last evaluated: 2016-11-29. Review status: criteria provided, single submitter. Criteria: GeneDx Variant Classification (06012015). Collection method: clinical testing. Allele origin: germline. Affected: yes.
Comment: This variant is considered likely benign or benign based on one or more of the following criteria: it is a conservative change, it occurs at a poorly conserved position in the protein, it is predicted to be benign by multiple in silico algorithms, and/or has population frequency not consistent with disease.